The following is an entry in ClinVar:

NM_015272.5(RPGRIP1L):c.3101C>T (p.Thr1034Ile)

Gene: RPGRIP1L (RPGRIP1 like; minus strand). Cytogenetic location: 16q12.2.
Variant type: single nucleotide variant.
Coding change: c.3101C>T on transcript NM_015272.5 (MANE Select); coding-DNA position 3101, C replaced by T.
Protein change: p.Thr1034Ile; replaces threonine 1034 with isoleucine.
Molecular consequence: missense variant.
Genome position (GRCh38, 1-based): chr16:53,637,814, G>A on the plus strand (C>T on the coding strand, the complement: RPGRIP1L is on the minus strand). VCF-style: chr16-53637814-G-A. GRCh37 (hg19) VCF-style: chr16-53671726-G-A.
Other names: c.2999C>T, p.Thr1000Ile (NM_001127897.4, NM_001330538.2); c.3101C>T, p.Thr1034Ile (NM_001308334.3); c.3101C>T (NM_015272.4); short protein forms T1034I, T1000I.
Identifiers: ClinVar variation 887670 (VCV000887670.12), dbSNP rs780672507, ClinGen allele CA8057365.
Genomic context (GRCh38, chr16:53,637,814, plus strand): 5'-TCTGCAAGCTGACCTTCAGATAGTAAAGACACATCATCTTTTCCTTGCTGCATTTTCTCA[G>A]TATTCTCTTTTACCTCATCTACACTGCCTTCTTGTGAAACCTGAAGAAATCAAAGCACAC-3'
Protein context (NP_056087.2, residues 1024-1044): EGSVDEVKEN[Thr1034Ile]EKMQQGKDDV

ClinVar aggregate classification (germline): Uncertain significance. Review status: criteria provided, multiple submitters, no conflicts (2 of 4 stars). 6 submissions from 4 submitters: Uncertain significance (5). 1 of the submissions does not count toward it. Last evaluated 2025-07-27.

Conditions:
Joubert syndrome 7 (JBTS7). Identifiers: Orphanet 220497, MedGen C1969053, MONDO:0012694, OMIM 611560.
Meckel-Gruber syndrome. Also called: Dysencephalia splachnocystica; DYSENCEPHALIA SPLANCHNOCYSTICA; GRUBER SYNDROME. Identifiers: Orphanet 564, MedGen C0265215, MONDO:0018921.
Joubert syndrome. Also called: JOUBERT-BOLTSHAUSER SYNDROME; Familial aplasia of the vermis. Identifiers: Orphanet 475, MedGen C5979921, MONDO:0018772.
Nephronophthisis 8. Identifiers: MedGen CN119610.
RPGRIP1L-related disorder. Also called: RPGRIP1L-related condition; RPGRIP1L-related disorders. Identifiers: MedGen CN239416.
Meckel syndrome, type 5 (MKS5). Identifiers: Orphanet 564, MedGen C1969052, MONDO:0012695, OMIM 611561.

Allele frequency attached by ClinVar (database versions not stated): gnomAD 0.00001; gnomAD exomes 0.00001 and 0.00002; TOPMed 0.00001; ExAC 0.00003.
gnomAD v4.1: 8 of 1,608,076 alleles (0.0005%); highest among the groups gnomAD compares: East Asian, 0.016%; no homozygotes.

Submissions (6):

PreventionGenetics, part of Exact Sciences
Classification: Uncertain significance for RPGRIP1L-related condition. Last evaluated: 2025-07-27. Review status: criteria provided, single submitter. Criteria: ACMG Guidelines, 2015. Collection method: clinical testing. Allele origin: germline.
Comment: The RPGRIP1L c.3101C>T variant is predicted to result in the amino acid substitution p.Thr1034Ile. To our knowledge, this variant has not been reported in the literature. This variant is reported in 0.016% of alleles in individuals of East Asian descent in gnomAD. At this time, the clinical significance of this variant is uncertain due to the absence of conclusive functional and genetic evidence.

Labcorp Genetics (formerly Invitae), Labcorp
Classification: Uncertain significance for Joubert syndrome; Meckel-Gruber syndrome. Last evaluated: 2021-08-31. Review status: criteria provided, single submitter. Criteria: Invitae Variant Classification Sherloc (09022015). Collection method: clinical testing. Allele origin: germline.
Comment: This sequence change replaces threonine with isoleucine at codon 1034 of the RPGRIP1L protein (p.Thr1034Ile). The threonine residue is weakly conserved and there is a moderate physicochemical difference between threonine and isoleucine. This variant is present in population databases (rs780672507, ExAC 0.05%). This variant has not been reported in the literature in individuals affected with RPGRIP1L-related conditions. Algorithms developed to predict the effect of missense changes on protein structure and function output the following: SIFT: "Tolerated"; PolyPhen-2: "Benign"; Align-GVGD: "Class C0". The isoleucine amino acid residue is found in multiple mammalian species, which suggests that this missense change does not adversely affect protein function. In summary, the available evidence is currently insufficient to determine the role of this variant in disease. Therefore, it has been classified as a Variant of Uncertain Significance.

Illumina Laboratory Services, Illumina
Classification: Uncertain significance for Nephronophthisis 8. Last evaluated: 2018-01-13. Review status: criteria provided, single submitter. Criteria: ICSL Variant Classification Criteria 13 December 2019. Collection method: clinical testing. Allele origin: germline.

Illumina Laboratory Services, Illumina
Classification: Uncertain significance for Joubert syndrome 7. Last evaluated: 2018-01-13. Review status: criteria provided, single submitter. Criteria: ICSL Variant Classification Criteria 13 December 2019. Collection method: clinical testing. Allele origin: germline.

Illumina Laboratory Services, Illumina
Classification: Uncertain significance for Meckel syndrome, type 5. Last evaluated: 2018-01-13. Review status: criteria provided, single submitter. Criteria: ICSL Variant Classification Criteria 13 December 2019. Collection method: clinical testing. Allele origin: germline.

Natera, Inc.
Classification: Uncertain significance for Joubert syndrome. Last evaluated: 2020-12-17. Review status: no assertion criteria provided. Collection method: clinical testing. Allele origin: germline. Not counted in ClinVar's aggregate classification.